The following is an entry in ClinVar:

NM_015178.3(RHOBTB2):c.1192G>T (p.Glu398Ter)

Gene: RHOBTB2 (Rho related BTB domain containing 2; plus strand). Cytogenetic location: 8p21.3.
Variant type: single nucleotide variant.
Coding change: c.1192G>T on transcript NM_015178.3 (MANE Select); coding-DNA position 1192, G replaced by T.
Protein change: p.Glu398Ter; replaces glutamic acid 398 with a stop codon.
Molecular consequence: nonsense.
Genome position (GRCh38, 1-based): chr8:23,007,437, G>T. VCF-style: chr8-23007437-G-T. GRCh37 (hg19) VCF-style: chr8-22864950-G-T.
Other names: c.1258G>T, p.Glu420Ter (NM_001160036.2); c.1213G>T, p.Glu405Ter (NM_001160037.2); c.1192G>T, p.Glu398Ter (NM_001374791.1); short protein forms E420*, E398*, E405*.
Identifiers: ClinVar variation 1965632 (VCV001965632.5), dbSNP rs2487012523, ClinGen allele CA370567647.
Genomic context (GRCh38, chr8:23,007,437, plus strand): 5'-TACCTACCGGGCAGGGGTCGTGTGCTGTCTTCCTGGAGCCGAGCTTTTGTGAGCATCCAG[G>T]AAGAGATGGCAGAAGATCCTCTCACCTACAAATCCCGGCTGATGGTGGTGGTGAAGATGG-3'

ClinVar aggregate classification (germline): Uncertain significance (1 of 4 stars; one submission).

Submission:

Labcorp Genetics (formerly Invitae), Labcorp
Classification: Uncertain significance. Last evaluated: 2022-03-26. Review status: criteria provided, single submitter. Criteria: Invitae Variant Classification Sherloc (09022015). Collection method: clinical testing. Allele origin: germline.
Comment: In summary, the available evidence is currently insufficient to determine the role of this variant in disease. Therefore, it has been classified as a Variant of Uncertain Significance. This variant has not been reported in the literature in individuals affected with RHOBTB2-related conditions. This variant is not present in population databases (gnomAD no frequency). This sequence change creates a premature translational stop signal (p.Glu420*) in the RHOBTB2 gene. It is expected to result in an absent or disrupted protein product. However, the current clinical and genetic evidence is not sufficient to establish whether loss-of-function variants in RHOBTB2 cause disease.